The following is an entry in ClinVar:

NM_152564.5(VPS13B):c.7912T>C (p.Tyr2638His)

Gene: VPS13B (vacuolar protein sorting 13 homolog B; plus strand). Cytogenetic location: 8q22.2.
Variant type: single nucleotide variant.
Coding change: c.7912T>C on transcript NM_152564.5 (MANE Select); coding-DNA position 7912, T replaced by C.
Protein change: p.Tyr2638His; replaces tyrosine 2638 with histidine.
Molecular consequence: missense variant.
Genome position (GRCh38, 1-based): chr8:99,784,447, T>C. VCF-style: chr8-99784447-T-C. GRCh37 (hg19) VCF-style: chr8-100796675-T-C.
Other names: c.7987T>C, p.Tyr2663His (NM_017890.5); short protein forms Y2638H, Y2663H.
Identifiers: ClinVar variation 448879 (VCV000448879.9), dbSNP rs761563766, ClinGen allele CA4824325.
Genomic context (GRCh38, chr8:99,784,447, plus strand): 5'-CGGTTTGGCCAGGTGGATACTGATGAAAATATTCTGCTGGCGAGTCTCCACAGTCACCAG[T>C]ACAGCTGGCGCTCTCACAAATCCCCACAGGTATTTGAGAAACACCCTTACAAACAGCCAT-3'
Protein context (NP_689777.3, residues 2628-2648): ILLASLHSHQ[Tyr2638His]SWRSHKSPQL

ClinVar aggregate classification (germline): Uncertain significance. Review status: criteria provided, multiple submitters, no conflicts (2 of 4 stars). 4 submissions from 4 submitters: Uncertain significance (3). 1 of the submissions does not count toward it. Last evaluated 2025-06-02.

Conditions:
Cohen syndrome (COH1). Also called: Cutis verticis gyrata, retinitis pigmentosa, and sensorineural deafness; PEPPER SYNDROME. Identifiers: Orphanet 193, MedGen C0265223, MONDO:0008999, OMIM 216550.

Allele frequency attached by ClinVar (database versions not stated): ExAC 0.00001; gnomAD exomes 0.00001 and 0.00005; TOPMed 0.00001.
gnomAD v4.1: 68 of 1,613,716 alleles (0.0042%); highest among the groups gnomAD compares: Non-Finnish European, 0.0055%; no homozygotes.

Submissions (4):

Labcorp Genetics (formerly Invitae), Labcorp
Classification: Uncertain significance for Cohen syndrome. Last evaluated: 2025-06-02. Review status: criteria provided, single submitter. Criteria: Invitae Variant Classification Sherloc (09022015). Collection method: clinical testing. Allele origin: germline.
Comment: This sequence change replaces tyrosine, which is neutral and polar, with histidine, which is basic and polar, at codon 2663 of the VPS13B protein (p.Tyr2663His). This variant is present in population databases (rs761563766, gnomAD 0.003%). This variant has not been reported in the literature in individuals affected with VPS13B-related conditions. ClinVar contains an entry for this variant (Variation ID: 448879). Invitae Evidence Modeling of protein sequence and biophysical properties (such as structural, functional, and spatial information, amino acid conservation, physicochemical variation, residue mobility, and thermodynamic stability) indicates that this missense variant is expected to disrupt VPS13B protein function with a positive predictive value of 80%. In summary, the available evidence is currently insufficient to determine the role of this variant in disease. Therefore, it has been classified as a Variant of Uncertain Significance.

Blueprint Genetics
Classification: Uncertain significance. Last evaluated: 2019-09-19. Review status: criteria provided, single submitter. Criteria: ACMG Guidelines, 2015. Collection method: clinical testing. Allele origin: germline.

Athena Diagnostics
Classification: Uncertain significance. Last evaluated: 2016-10-13. Review status: criteria provided, single submitter. Criteria: Athena Diagnostics Criteria. Collection method: clinical testing. Allele origin: germline.

Natera, Inc.
Classification: Uncertain significance for Cohen syndrome. Last evaluated: 2019-11-11. Review status: no assertion criteria provided. Collection method: clinical testing. Allele origin: germline. Not counted in ClinVar's aggregate classification.